The following is an entry in ClinVar:

ClinVar aggregate classification (germline): Pathogenic (1 of 4 stars; one submission).

Conditions:
Hereditary cancer-predisposing syndrome. Also called: Tumor predisposition; Hereditary Cancer Syndrome; Neoplastic Syndromes, Hereditary; Hereditary neoplastic syndrome. Identifiers: Orphanet 140162, MedGen C0027672, MeSH D009386, MONDO:0015356.

Submission:

Ambry Genetics
Classification: Pathogenic for Hereditary cancer-predisposing syndrome. Last evaluated: 2020-10-14. Review status: criteria provided, single submitter. Criteria: Ambry Variant Classification Scheme 2023. Collection method: clinical testing. Allele origin: germline.
Comment: The c.2612delC pathogenic mutation, located in coding exon 10 of the BRCA2 gene, results from a deletion of one nucleotide at nucleotide position 2612, causing a translational frameshift with a predicted alternate stop codon (p.S871*). This alteration is expected to result in loss of function by premature protein truncation or nonsense-mediated mRNA decay. As such, this alteration is interpreted as a disease-causing mutation.

NM_000059.4(BRCA2):c.2612del (p.Ile870_Ser871insTer)

Gene: BRCA2 (BRCA2 DNA repair associated; plus strand). Cytogenetic location: 13q13.1.
Variant type: Deletion.
Coding change: c.2612del on transcript NM_000059.4 (MANE Select); coding-DNA position 2612, one base deleted (C; older notation c.2612delC).
Protein change: p.Ile870_Ser871insTer.
Molecular consequence: nonsense. On other transcripts: frameshift variant (2).
Genome position (GRCh38, 1-based): chr13:32,336,967, C deleted. VCF-style (leftmost placement, unchanged base first): chr13-32336966-TC-T. GRCh37 (hg19) VCF-style: chr13-32911103-TC-T.
Other names: c.2612delC, p.Ser871Terfs (NM_001406719.1, NM_001406720.1).
Identifiers: ClinVar variation 1793817 (VCV001793817.2), dbSNP rs2548524348, ClinGen allele CA2580087289.